The following is an entry in ClinVar:

NM_004615.4(TSPAN7):c.248G>C (p.Gly83Ala)

Gene: TSPAN7 (tetraspanin 7; plus strand). Cytogenetic location: Xp11.4.
Variant type: single nucleotide variant.
Coding change: c.248G>C on transcript NM_004615.4 (MANE Select); coding-DNA position 248, G replaced by C.
Protein change: p.Gly83Ala; replaces glycine 83 with alanine.
Molecular consequence: missense variant.
Genome position (GRCh38, 1-based): chrX:38,666,287, G>C. VCF-style: chrX-38666287-G-C. GRCh37 (hg19) VCF-style: chrX-38525541-G-C.
Other names: short protein forms G83A.
Identifiers: ClinVar variation 1683623 (VCV001683623.2), dbSNP rs2069781286, ClinGen allele CA412983125.
Genomic context (GRCh38, chrX:38,666,287, plus strand): 5'-TCGGAACTGGCACCACTATTGTTGTCTTTGGCCTGTTTGGATGCTTTGCTACATGTCGTG[G>C]TAGCCCATGGATGCTGAAACTGGTGAGTATGTCACAACATAATACTGCTTTCTCAACTAT-3'
Protein context (NP_004606.2, residues 73-93): GLFGCFATCR[Gly83Ala]SPWMLKLYAM

ClinVar aggregate classification (germline): Uncertain significance (1 of 4 stars; one submission).

Conditions:
Intellectual developmental disorder, X-linked 58. Also called: Intellectual disability, X-linked 58. Identifiers: Orphanet 777, MedGen C1846174, MONDO:0010266, OMIM 300210.

Submission:

Laboratorio de Genetica e Diagnostico Molecular, Hospital Israelita Albert Einstein
Classification: Uncertain significance for Intellectual developmental disorder, X-linked 58. Last evaluated: 2022-02-01. Review status: criteria provided, single submitter. Criteria: ACMG Guidelines, 2015. Collection method: clinical testing. Allele origin: germline. Affected: yes.
Comment: ACMG classification criteria: PM2 moderate